The following is an entry in ClinVar:

NM_018010.4(IFT57):c.777+3A>G

Gene: IFT57 (intraflagellar transport 57; minus strand). Cytogenetic location: 3q13.12.
Variant type: single nucleotide variant.
Coding change: c.777+3A>G on transcript NM_018010.4 (MANE Select); 3 bases into the intron after coding-DNA position 777, A replaced by G.
Molecular consequence: intron variant.
Genome position (GRCh38, 1-based): chr3:108,191,518, T>C on the plus strand (A>G on the coding strand, the complement: IFT57 is on the minus strand). VCF-style: chr3-108191518-T-C. GRCh37 (hg19) VCF-style: chr3-107910365-T-C.
Identifiers: ClinVar variation 2784654 (VCV002784654.3), dbSNP rs1386645681, ClinGen allele CA896775554.

ClinVar aggregate classification (germline): Uncertain significance (1 of 4 stars; one submission).

Allele frequency attached by ClinVar (database versions not stated): TOPMed below 0.00001.
gnomAD v4.1: 1 of 1,560,530 alleles (0.000064%); no homozygotes.

Submission:

Labcorp Genetics (formerly Invitae), Labcorp
Classification: Uncertain significance. Last evaluated: 2023-02-22. Review status: criteria provided, single submitter. Criteria: Invitae Variant Classification Sherloc (09022015). Collection method: clinical testing. Allele origin: germline.
Comment: In summary, the available evidence is currently insufficient to determine the role of this variant in disease. Therefore, it has been classified as a Variant of Uncertain Significance. Variants that disrupt the consensus splice site are a relatively common cause of aberrant splicing (PMID: 17576681, 9536098). Algorithms developed to predict the effect of sequence changes on RNA splicing suggest that this variant is not likely to affect RNA splicing. This variant has not been reported in the literature in individuals affected with IFT57-related conditions. This variant is not present in population databases (gnomAD no frequency). This sequence change falls in intron 6 of the IFT57 gene. It does not directly change the encoded amino acid sequence of the IFT57 protein. It affects a nucleotide within the consensus splice site.

Literature cited by the submitters: PubMed 17576681; PubMed 9536098.